The following is an entry in ClinVar:

NM_002485.5(NBN):c.937G>C (p.Ala313Pro)

Gene: NBN (nibrin; minus strand). Cytogenetic location: 8q21.3.
Variant type: single nucleotide variant.
Coding change: c.937G>C on transcript NM_002485.5 (MANE Select); coding-DNA position 937, G replaced by C.
Protein change: p.Ala313Pro; replaces alanine 313 with proline.
Molecular consequence: missense variant.
Genome position (GRCh38, 1-based): chr8:89,964,467, C>G on the plus strand (G>C on the coding strand, the complement: NBN is on the minus strand). VCF-style: chr8-89964467-C-G. GRCh37 (hg19) VCF-style: chr8-90976695-C-G.
Other names: c.691G>C, p.Ala231Pro (NM_001024688.3); short protein forms A313P, A231P.
Identifiers: ClinVar variation 3403073 (VCV003403073.1).
Genomic context (GRCh38, chr8:89,964,467, plus strand): 5'-TACCTGTACTGGGATGGCCCTGAGGATCACAGTAATTCTTTGTAGTCATGAAAATCACCG[C>G]CAATCCAATTTCTGCTTCAGGAATAGGTCTAAGACCTTGCCTATTAGAATAAAATAGTTT-3'
Protein context (NP_002476.2, residues 303-323): RPIPEAEIGL[Ala313Pro]VIFMTTKNYC

ClinVar aggregate classification (germline): Uncertain significance (1 of 4 stars; one submission).

Conditions:
Hereditary cancer-predisposing syndrome. Also called: Hereditary Cancer Syndrome; Tumor predisposition; Hereditary neoplastic syndrome; Neoplastic Syndromes, Hereditary. Identifiers: Orphanet 140162, MedGen C0027672, MeSH D009386, MONDO:0015356.

Submission:

Ambry Genetics
Classification: Uncertain significance for Hereditary cancer-predisposing syndrome. Last evaluated: 2024-11-10. Review status: criteria provided, single submitter. Criteria: Ambry Variant Classification Scheme 2023. Collection method: clinical testing. Allele origin: germline.
Comment: The p.A313P variant (also known as c.937G>C), located in coding exon 8 of the NBN gene, results from a G to C substitution at nucleotide position 937. The alanine at codon 313 is replaced by proline, an amino acid with highly similar properties. This amino acid position is conserved. In addition, this alteration is predicted to be deleterious by in silico analysis. Based on the available evidence, the clinical significance of this variant remains unclear.